The following is an entry in ClinVar:

NM_006531.5(IFT88):c.2288G>C (p.Ser763Thr)

Gene: IFT88 (intraflagellar transport 88; plus strand). Cytogenetic location: 13q12.11.
Variant type: single nucleotide variant.
Coding change: c.2288G>C on transcript NM_006531.5 (MANE Select); coding-DNA position 2288, G replaced by C.
Protein change: p.Ser763Thr; replaces serine 763 with threonine.
Molecular consequence: missense variant. On other transcripts: non-coding transcript variant (4), intron variant (5).
Genome position (GRCh38, 1-based): chr13:20,690,750, G>C. VCF-style: chr13-20690750-G-C. GRCh37 (hg19) VCF-style: chr13-21264889-G-C.
Other names: c.2231G>C, p.Ser744Thr (NM_001318491.2); c.2315G>C, p.Ser772Thr (NM_001318493.2, NM_001353565.2, NM_001353566.2 and 2 more transcripts); c.2288G>C, p.Ser763Thr (NM_001353568.2); c.2213G>C, p.Ser738Thr (NM_001353569.2, NM_001353570.2); c.2186G>C, p.Ser729Thr (NM_001353571.2); c.2144G>C, p.Ser715Thr (NM_001353573.2); c.2129G>C, p.Ser710Thr (NM_001353574.2); c.1655G>C, p.Ser552Thr (NM_001353579.2); and 4 more; short protein forms S552T, S710T, S715T, S744T, S729T, S763T, S772T, S738T.
Identifiers: ClinVar variation 2871412 (VCV002871412.3), dbSNP rs1429504394, ClinGen allele CA387475099.

ClinVar aggregate classification (germline): Uncertain significance (1 of 4 stars; one submission).

Allele frequency attached by ClinVar (database versions not stated): gnomAD exomes below 0.00001; gnomAD 0.00001; TOPMed 0.00002.
gnomAD v4.1: 4 of 1,613,816 alleles (0.00025%); highest among the groups gnomAD compares: African/African-American, 0.0053%; no homozygotes.

Submission:

Labcorp Genetics (formerly Invitae), Labcorp
Classification: Uncertain significance. Last evaluated: 2023-11-03. Review status: criteria provided, single submitter. Criteria: Invitae Variant Classification Sherloc (09022015). Collection method: clinical testing. Allele origin: germline.
Comment: This sequence change replaces serine, which is neutral and polar, with threonine, which is neutral and polar, at codon 772 of the IFT88 protein (p.Ser772Thr). This variant is not present in population databases (gnomAD no frequency). This variant has not been reported in the literature in individuals affected with IFT88-related conditions. An algorithm developed to predict the effect of missense changes on protein structure and function (PolyPhen-2) suggests that this variant is likely to be tolerated. In summary, the available evidence is currently insufficient to determine the role of this variant in disease. Therefore, it has been classified as a Variant of Uncertain Significance.